The following is an entry in ClinVar:

ClinVar aggregate classification (germline): Pathogenic (1 of 4 stars; one submission).

Conditions:
Fraser syndrome 1 (FRASRS1). Also called: CRYPTOPHTHALMOS WITH OTHER MALFORMATIONS. Identifiers: Orphanet 2052, MedGen C4551480, MONDO:0054737, OMIM 219000.

Submission:

Service de Biochimie Médicale et Biologie Moléculaire, CHU Clermont-Ferrand
Classification: Pathogenic for Fraser syndrome 1. Last evaluated: 2018-09-14. Review status: criteria provided, single submitter. Criteria: ACMG Guidelines, 2015. Collection method: clinical testing. Allele origin: inherited. Inheritance: Autosomal recessive inheritance. Affected: yes.
Comment: This variant in homozygous state or compound heterozygous state induced Fraser syndrome phenotype

NM_025074.7(FRAS1):c.10999C>T (p.Gln3667Ter)

Genes: FRAS1 (Fraser extracellular matrix complex subunit 1; plus strand), LOC126807089 (CDK7 strongly-dependent group 2 enhancer GRCh37_chr4:79455131-79456330; plus strand). Cytogenetic location: 4q21.21.
Variant type: single nucleotide variant.
Coding change: c.10999C>T on transcript NM_025074.7 (MANE Select); coding-DNA position 10999, C replaced by T.
Protein change: p.Gln3667Ter; replaces glutamine 3667 with a stop codon.
Molecular consequence: nonsense.
Genome position (GRCh38, 1-based): chr4:78,534,522, C>T. VCF-style: chr4-78534522-C-T. GRCh37 (hg19) VCF-style: chr4-79455676-C-T.
Other names: short protein forms Q3667*.
Identifiers: ClinVar variation 916669 (VCV000916669.1), dbSNP rs1721821279, ClinGen allele CA357396533.